The following is an entry in ClinVar:

NM_000326.5(RLBP1):c.556A>G (p.Lys186Glu)

Gene: RLBP1 (retinaldehyde binding protein 1; minus strand). Cytogenetic location: 15q26.1.
Variant type: single nucleotide variant.
Coding change: c.556A>G on transcript NM_000326.5 (MANE Select); coding-DNA position 556, A replaced by G.
Protein change: p.Lys186Glu; replaces lysine 186 with glutamic acid.
Molecular consequence: missense variant.
Genome position (GRCh38, 1-based): chr15:89,211,871, T>C on the plus strand (A>G on the coding strand, the complement: RLBP1 is on the minus strand). VCF-style: chr15-89211871-T-C. GRCh37 (hg19) VCF-style: chr15-89755102-T-C.
Other names: short protein forms K186E.
Identifiers: ClinVar variation 2002957 (VCV002002957.1), dbSNP rs991922765, ClinGen allele CA274532671.

ClinVar aggregate classification (germline): Uncertain significance (1 of 4 stars; one submission).

Allele frequency attached by ClinVar (database versions not stated): gnomAD exomes below 0.00001; TOPMed below 0.00001.

Submission:

Labcorp Genetics (formerly Invitae), Labcorp
Classification: Uncertain significance. Last evaluated: 2022-08-13. Review status: criteria provided, single submitter. Criteria: Invitae Variant Classification Sherloc (09022015). Collection method: clinical testing. Allele origin: germline.
Comment: This sequence change replaces lysine, which is basic and polar, with glutamic acid, which is acidic and polar, at codon 186 of the RLBP1 protein (p.Lys186Glu). This variant is not present in population databases (gnomAD no frequency). This variant has not been reported in the literature in individuals affected with RLBP1-related conditions. Algorithms developed to predict the effect of missense changes on protein structure and function are either unavailable or do not agree on the potential impact of this missense change (SIFT: "Tolerated"; PolyPhen-2: "Possibly Damaging"; Align-GVGD: "Class C0"). In summary, the available evidence is currently insufficient to determine the role of this variant in disease. Therefore, it has been classified as a Variant of Uncertain Significance.